The following is an entry in ClinVar:

ClinVar aggregate classification (germline): Uncertain significance. Review status: criteria provided, single submitter (1 of 4 stars). 2 submissions from 2 submitters: Uncertain significance (1). 1 of the submissions does not count toward it. Last evaluated 2017-04-27.

Conditions:
SLC7A9-related disorder. Also called: SLC7A9-related condition.
Cystinuria (CSNU). Also called: CYSTINURIA, TYPE I; CYSTINURIA, TYPE II; CYSTINURIA, TYPE III; Cystinuria, non-type I. Identifiers: Orphanet 214, MedGen C0010691, MONDO:0009067, OMIM 220100, HP:0003131.

Allele frequency attached by ClinVar (database versions not stated): gnomAD exomes 0.00031 and 0.00056; ExAC 0.00066; 1000 Genomes Project 0.00160; gnomAD 0.00170 and 0.00187; ESP Exome Variant Server 0.00177; 1000 Genomes Project 30x 0.00187; TOPMed 0.00193.
gnomAD v4.1: 718 of 1,609,050 alleles (0.045%); highest among the groups gnomAD compares: African/African-American, 0.65%; 1 homozygote.

Submissions (2):

Illumina Laboratory Services, Illumina
Classification: Uncertain significance for Cystinuria. Last evaluated: 2017-04-27. Review status: criteria provided, single submitter. Criteria: ICSL Variant Classification Criteria 13 December 2019. Collection method: clinical testing. Allele origin: germline.

PreventionGenetics, part of Exact Sciences
Classification: Likely benign for SLC7A9-related condition. Last evaluated: 2019-06-07. Review status: no assertion criteria provided. Collection method: clinical testing. Allele origin: germline. Not counted in ClinVar's aggregate classification.
Comment: This variant is classified as likely benign based on ACMG/AMP sequence variant interpretation guidelines (Richards et al. 2015 PMID: 25741868, with internal and published modifications).

NM_014270.5(SLC7A9):c.*8C>T

Gene: SLC7A9 (solute carrier family 7 member 9; minus strand). Cytogenetic location: 19q13.11.
Variant type: single nucleotide variant.
Coding change: c.*8C>T on transcript NM_014270.5 (MANE Select); 8 bases downstream of the stop codon, C replaced by T.
Molecular consequence: 3 prime UTR variant.
Genome position (GRCh38, 1-based): chr19:32,830,612, G>A on the plus strand (C>T on the coding strand, the complement: SLC7A9 is on the minus strand). VCF-style: chr19-32830612-G-A. GRCh37 (hg19) VCF-style: chr19-33321518-G-A.
Other names: c.*8C>T (NM_001243036.2, NM_001126335.2).
Identifiers: ClinVar variation 889684 (VCV000889684.6), dbSNP rs145079057, ClinGen allele CA9358382.